The following is an entry in ClinVar:

NM_006662.3(SRCAP):c.5150C>T (p.Ser1717Leu)

Gene: SRCAP (Snf2 related CREBBP activator protein; plus strand). Cytogenetic location: 16p11.2.
Variant type: single nucleotide variant.
Coding change: c.5150C>T on transcript NM_006662.3 (MANE Select); coding-DNA position 5150, C replaced by T.
Protein change: p.Ser1717Leu; replaces serine 1717 with leucine.
Molecular consequence: missense variant.
Genome position (GRCh38, 1-based): chr16:30,724,574, C>T. VCF-style: chr16-30724574-C-T. GRCh37 (hg19) VCF-style: chr16-30735895-C-T.
Other names: short protein forms S1717L.
Identifiers: ClinVar variation 1500984 (VCV001500984.8), dbSNP rs1402428342, ClinGen allele CA395617754.
Genomic context (GRCh38, chr16:30,724,574, plus strand): 5'-CTCAGACACTCTCTTTGGGAACGGGGAACCCCCAGGGACCCTTTCCAACTCAGACATTGT[C>T]ATTAACTCCAGCATCATCCCTGGTACCAACTCCAGCCCAGACACTGTCTTTGGCACCAGG-3'
Protein context (NP_006653.2, residues 1707-1727): PQGPFPTQTL[Ser1717Leu]LTPASSLVPT

ClinVar aggregate classification (germline): Uncertain significance. Review status: criteria provided, multiple submitters, no conflicts (2 of 4 stars). 2 submissions from 2 submitters: Uncertain significance (2). Last evaluated 2024-02-08.

Conditions:
Floating-Harbor syndrome (FLHS). Also called: Short stature with delayed bone age, expressive language delay, a triangular face with a prominent nose and deep-set eyes; Pelletier-Leisti syndrome; SRCAP-Related Floating-Harbor Syndrome. Identifiers: Orphanet 2044, MedGen C0729582, MONDO:0007621, OMIM 136140.
Developmental delay, hypotonia, musculoskeletal defects, and behavioral abnormalities. Identifiers: MedGen C5562012, MONDO:0859202, OMIM 619595.

Allele frequency attached by ClinVar (database versions not stated): gnomAD exomes below 0.00001; gnomAD 0.00001; TOPMed 0.00001.
gnomAD v4.1: 4 of 1,614,076 alleles (0.00025%); highest among the groups gnomAD compares: Admixed American, 0.0033%; no homozygotes.

Submissions (2):

Labcorp Genetics (formerly Invitae), Labcorp
Classification: Uncertain significance. Last evaluated: 2024-02-08. Review status: criteria provided, single submitter. Criteria: Invitae Variant Classification Sherloc (09022015). Collection method: clinical testing. Allele origin: germline.
Comment: This sequence change replaces serine, which is neutral and polar, with leucine, which is neutral and non-polar, at codon 1717 of the SRCAP protein (p.Ser1717Leu). This variant is present in population databases (no rsID available, gnomAD 0.003%). This variant has not been reported in the literature in individuals affected with SRCAP-related conditions. ClinVar contains an entry for this variant (Variation ID: 1500984). Advanced modeling of protein sequence and biophysical properties (such as structural, functional, and spatial information, amino acid conservation, physicochemical variation, residue mobility, and thermodynamic stability) performed at Invitae indicates that this missense variant is not expected to disrupt SRCAP protein function with a negative predictive value of 80%. In summary, the available evidence is currently insufficient to determine the role of this variant in disease. Therefore, it has been classified as a Variant of Uncertain Significance.

Fulgent Genetics
Classification: Uncertain significance for Floating-Harbor syndrome; Developmental delay, hypotonia, musculoskeletal defects, and behavioral abnormalities. Last evaluated: 2021-12-11. Review status: criteria provided, single submitter. Criteria: ACMG Guidelines, 2015. Collection method: clinical testing. Allele origin: unknown.